The following is an entry in ClinVar:

ClinVar aggregate classification (germline): Uncertain significance (1 of 4 stars; one submission).

Submission:

GeneDx
Classification: Uncertain significance. Last evaluated: 2024-08-25. Review status: criteria provided, single submitter. Criteria: GeneDx Variant Classification Process June 2021. Collection method: clinical testing. Allele origin: germline. Affected: yes.
Comment: Not observed at significant frequency in large population cohorts (gnomAD); In silico analysis supports that this missense variant has a deleterious effect on protein structure/function; Has not been previously published as pathogenic or benign to our knowledge

NM_001110556.2(FLNA):c.6292G>A (p.Glu2098Lys)

Gene: FLNA (filamin A; minus strand). Cytogenetic location: Xq28.
Variant type: single nucleotide variant.
Coding change: c.6292G>A on transcript NM_001110556.2 (MANE Select); coding-DNA position 6292, G replaced by A.
Protein change: p.Glu2098Lys; replaces glutamic acid 2098 with lysine.
Molecular consequence: missense variant.
Genome position (GRCh38, 1-based): chrX:154,352,859, C>T on the plus strand (G>A on the coding strand, the complement: FLNA is on the minus strand). VCF-style: chrX-154352859-C-T. GRCh37 (hg19) VCF-style: chrX-153581227-C-T.
Other names: c.6268G>A, p.Glu2090Lys (NM_001456.4); short protein forms E2090K, E2098K.
Identifiers: ClinVar variation 3766090 (VCV003766090.1).
Genomic context (GRCh38, chrX:154,352,859, plus strand): 5'-TGTTGATGATGTAGTTGCCTGGCTCTGTGGGGCAGTAGGTGACCCTGCACGTCCCGTCCT[C>T]CAGGTCCTCTGTGTTGATGTCCACCTTGCTGGGGCCCTCAATGGACAGGCTGAGCCCACC-3'
Protein context (NP_001104026.1, residues 2088-2108): SKVDINTEDL[Glu2098Lys]DGTCRVTYCP